The following is an entry in ClinVar:

ClinVar aggregate classification (germline): Uncertain significance. Review status: criteria provided, multiple submitters, no conflicts (2 of 4 stars). 2 submissions from 2 submitters: Uncertain significance (2). Last evaluated 2026-07-29.

Conditions:
Postaxial polydactyly-anterior pituitary anomalies-facial dysmorphism syndrome. Also called: Culler-Jones syndrome. Identifiers: Orphanet 420584, MedGen C4014479, MONDO:0014369, OMIM 615849.
Holoprosencephaly 9 (HPE9). Also called: HOLOPROSENCEPHALY WITH MICROPHTHALMIA AND FIRST BRANCHIAL ARCH ANOMALIES; PITUITARY ANOMALIES WITH HOLOPROSENCEPHALY-LIKE FEATURES. Identifiers: Orphanet 2162, MedGen C1835819, MONDO:0012563, OMIM 610829.
Inborn genetic diseases. Identifiers: MedGen C0950123, MeSH D030342.

gnomAD v4.1: 3 of 1,613,748 alleles (0.00019%); highest among the groups gnomAD compares: Non-Finnish European, 0.00017%; no homozygotes.

Submissions (2):

Ambry Genetics
Classification: Uncertain significance for Inborn genetic diseases. Last evaluated: 2026-07-29. Review status: criteria provided, single submitter. Criteria: Ambry Variant Classification Scheme 2023. Collection method: clinical testing. Allele origin: germline.

Labcorp Genetics (formerly Invitae), Labcorp
Classification: Uncertain significance for Postaxial polydactyly-anterior pituitary anomalies-facial dysmorphism syndrome; Holoprosencephaly 9. Last evaluated: 2024-04-02. Review status: criteria provided, single submitter. Criteria: Invitae Variant Classification Sherloc (09022015). Collection method: clinical testing. Allele origin: germline.
Comment: This sequence change replaces arginine, which is basic and polar, with cysteine, which is neutral and slightly polar, at codon 516 of the GLI2 protein (p.Arg516Cys). This variant is not present in population databases (gnomAD no frequency). This variant has not been reported in the literature in individuals affected with GLI2-related conditions. Advanced modeling of protein sequence and biophysical properties (such as structural, functional, and spatial information, amino acid conservation, physicochemical variation, residue mobility, and thermodynamic stability) performed at Invitae indicates that this missense variant is expected to disrupt GLI2 protein function with a positive predictive value of 80%. In summary, the available evidence is currently insufficient to determine the role of this variant in disease. Therefore, it has been classified as a Variant of Uncertain Significance.

NM_001374353.1(GLI2):c.1495C>T (p.Arg499Cys)

Gene: GLI2 (GLI family zinc finger 2; plus strand). Cytogenetic location: 2q14.2.
Variant type: single nucleotide variant.
Coding change: c.1495C>T on transcript NM_001374353.1 (MANE Select); coding-DNA position 1495, C replaced by T.
Protein change: p.Arg499Cys; replaces arginine 499 with cysteine.
Molecular consequence: missense variant.
Genome position (GRCh38, 1-based): chr2:120,982,743, C>T. VCF-style: chr2-120982743-C-T. GRCh37 (hg19) VCF-style: chr2-121740319-C-T.
Other names: c.1546C>T, p.Arg516Cys (NM_001371271.1, NM_005270.5); c.1120C>T, p.Arg374Cys (NM_001374354.1); c.1546C>T (NM_005270.4); short protein forms R374C, R499C, R516C.
Identifiers: ClinVar variation 3748608 (VCV003748608.3).